The following is an entry in ClinVar:

NM_033159.4(HYAL1):c.621C>A (p.Cys207Ter)

Gene: HYAL1 (hyaluronidase 1; minus strand). Cytogenetic location: 3p21.31.
Variant type: single nucleotide variant.
Coding change: c.621C>A on transcript NM_033159.4 (MANE Select); coding-DNA position 621, C replaced by A.
Protein change: p.Cys207Ter; replaces cysteine 207 with a stop codon.
Molecular consequence: nonsense. On other transcripts: non-coding transcript variant (1), intron variant (1).
Genome position (GRCh38, 1-based): chr3:50,302,336, G>T on the plus strand (C>A on the coding strand, the complement: HYAL1 is on the minus strand). VCF-style: chr3-50302336-G-T. GRCh37 (hg19) VCF-style: chr3-50339767-G-T.
Other names: c.621C>A, p.Cys207Ter (NM_153281.2, NM_153282.3); c.75C>A, p.Cys25Ter (NM_153283.3); c.-26-131C>A (NM_153285.3); short protein forms C25*, C207*.
Identifiers: ClinVar variation 963698 (VCV000963698.8), dbSNP rs1702200130, ClinGen allele CA352893237.

ClinVar aggregate classification (germline): Pathogenic/Likely pathogenic. Review status: criteria provided, multiple submitters, no conflicts (2 of 4 stars). 2 submissions from 2 submitters: Pathogenic (1); Likely pathogenic (1). Last evaluated 2024-12-20.

Conditions:
Deficiency of hyaluronoglucosaminidase (MPS9). Also called: Mucopolysaccharidosis type 9; HYALURONIDASE DEFICIENCY; MPS IX. Identifiers: Orphanet 67041, MedGen C1291490, MONDO:0011093, OMIM 601492.

Submissions (2):

Dasa
Classification: Likely pathogenic. Last evaluated: 2024-12-20. Review status: criteria provided, single submitter. Criteria: DASA Assertion Criteria. Collection method: clinical testing. Allele origin: germline.
Comment: NM_033159.4(HYAL1):c.621C>A (p.Cys207*) is a nonsense variant in HYAL1 predicted to introduce a premature termination codon and is predicted to result in an absent or altered protein product. Loss of function is an established disease mechanism for HYAL1-associated disorders. Also, this variant is absent from population databases. Based on the currently available evidence, this variant is classified as likely pathogenic.

Labcorp Genetics (formerly Invitae), Labcorp
Classification: Pathogenic for Deficiency of hyaluronoglucosaminidase. Last evaluated: 2019-09-22. Review status: criteria provided, single submitter. Criteria: Invitae Variant Classification Sherloc (09022015). Collection method: clinical testing. Allele origin: germline.
Comment: For these reasons, this variant has been classified as Pathogenic. Loss-of-function variants in HYAL1 are known to be pathogenic (PMID: 10339581, 21559944). This variant has not been reported in the literature in individuals with HYAL1-related conditions. This variant is not present in population databases (ExAC no frequency). This sequence change creates a premature translational stop signal (p.Cys207*) in the HYAL1 gene. It is expected to result in an absent or disrupted protein product.

Literature cited by the submitters: PubMed 10339581 (cited by Labcorp Genetics (formerly Invitae), Labcorp); PubMed 21559944 (cited by Labcorp Genetics (formerly Invitae), Labcorp).